The following is an entry in ClinVar:

NM_183381.3(RNF13):c.1022A>G (p.Tyr341Cys)

Gene: RNF13 (ring finger protein 13; plus strand). Cytogenetic location: 3q25.1.
Variant type: single nucleotide variant.
Coding change: c.1022A>G on transcript NM_183381.3 (MANE Select); coding-DNA position 1022, A replaced by G.
Protein change: p.Tyr341Cys; replaces tyrosine 341 with cysteine.
Molecular consequence: missense variant. On other transcripts: non-coding transcript variant (1).
Genome position (GRCh38, 1-based): chr3:149,960,980, A>G. VCF-style: chr3-149960980-A-G. GRCh37 (hg19) VCF-style: chr3-149678767-A-G.
Other names: c.1022A>G, p.Tyr341Cys (NM_001378285.1, NM_001378286.1, NM_007282.4); c.665A>G, p.Tyr222Cys (NM_001378287.1, NM_001378288.1, NM_001378289.1 and 2 more transcripts); c.629A>G, p.Tyr210Cys (NM_001378291.1); short protein forms Y222C, Y341C, Y210C.
Identifiers: ClinVar variation 1918894 (VCV001918894.5), dbSNP rs754741830, ClinGen allele CA2663146.
Genomic context (GRCh38, chr3:149,960,980, plus strand): 5'-AGTCATTTGGGGCTTTATCGGAATCCCGCTCACATCAGAACATGACAGAATCTTCAGACT[A>G]TGAGGAAGACGACAATGAAGATACTGACAGTAGTGATGCAGAAAATGAAATTAATGAACA-3'
Protein context (NP_899237.1, residues 331-351): SHQNMTESSD[Tyr341Cys]EEDDNEDTDS

ClinVar aggregate classification (germline): Uncertain significance (1 of 4 stars; one submission).

Allele frequency attached by ClinVar (database versions not stated): gnomAD exomes below 0.00001; ExAC 0.00001.
gnomAD v4.1: 6 of 1,614,246 alleles (0.00037%); highest among the groups gnomAD compares: South Asian, 0.0011%; no homozygotes.

Submission:

Labcorp Genetics (formerly Invitae), Labcorp
Classification: Uncertain significance. Last evaluated: 2022-09-02. Review status: criteria provided, single submitter. Criteria: Invitae Variant Classification Sherloc (09022015). Collection method: clinical testing. Allele origin: germline.
Comment: This variant is present in population databases (rs754741830, gnomAD 0.003%). In summary, the available evidence is currently insufficient to determine the role of this variant in disease. Therefore, it has been classified as a Variant of Uncertain Significance. Algorithms developed to predict the effect of missense changes on protein structure and function (SIFT, PolyPhen-2, Align-GVGD) all suggest that this variant is likely to be tolerated. This variant has not been reported in the literature in individuals affected with RNF13-related conditions. This sequence change replaces tyrosine, which is neutral and polar, with cysteine, which is neutral and slightly polar, at codon 341 of the RNF13 protein (p.Tyr341Cys).